The following is an entry in ClinVar:

NM_003072.5(SMARCA4):c.3404G>A (p.Arg1135Gln)

Gene: SMARCA4 (SWI/SNF related BAF chromatin remodeling complex subunit ATPase 4; plus strand). Cytogenetic location: 19p13.2.
Variant type: single nucleotide variant.
Coding change: c.3404G>A on transcript NM_003072.5 (MANE Select); coding-DNA position 3404, G replaced by A.
Protein change: p.Arg1135Gln; replaces arginine 1135 with glutamine.
Molecular consequence: missense variant. On other transcripts: non-coding transcript variant (1).
Genome position (GRCh38, 1-based): chr19:11,030,751, G>A. VCF-style: chr19-11030751-G-A. GRCh37 (hg19) VCF-style: chr19-11141427-G-A.
Other names: c.3404G>A, p.Arg1135Gln (NM_001128848.2, NM_001128849.3, NM_001374457.1 and 6 more transcripts); short protein forms R1135Q.
Identifiers: ClinVar variation 3958468 (VCV003958468.2).
Genomic context (GRCh38, chr19:11,030,751, plus strand): 5'-GGTCACCCCGCTGACCCTGTTCTCCTCTGTGCCCGTCAGGAACCACGAAGGCGGAGGACC[G>A]GGGCATGCTGCTGAAAACCTTCAACGAGCCCGGCTCTGAGTACTTCATCTTCCTGCTCAG-3'
Protein context (NP_003063.2, residues 1125-1145): RLDGTTKAED[Arg1135Gln]GMLLKTFNEP

ClinVar aggregate classification (germline): Uncertain significance (1 of 4 stars; one submission).
ClinVar aggregate classification (somatic clinical impact): Tier I - Strong (1 of 4 stars; one submission).

Conditions:
Hereditary cancer-predisposing syndrome. Also called: Tumor predisposition; Hereditary neoplastic syndrome; Hereditary Cancer Syndrome; Neoplastic Syndromes, Hereditary. Identifiers: Orphanet 140162, MedGen C0027672, MeSH D009386, MONDO:0015356.
Medulloblastoma non-WNT/non-SHH group 3. Identifiers: MedGen C4330665, MONDO:0956966.

Submissions (2):

Ambry Genetics
Classification: Uncertain significance for Hereditary cancer-predisposing syndrome. Last evaluated: 2025-06-02. Review status: criteria provided, single submitter. Criteria: Ambry Variant Classification Scheme 2023. Collection method: clinical testing. Allele origin: germline.
Comment: The p.R1135Q variant (also known as c.3404G>A), located in coding exon 24 of the SMARCA4 gene, results from a G to A substitution at nucleotide position 3404. The arginine at codon 1135 is replaced by glutamine, an amino acid with highly similar properties. This amino acid position is highly conserved in available vertebrate species. In addition, this alteration is predicted to be deleterious by in silico analysis. Based on the available evidence, the clinical significance of this variant remains unclear.

Institute for Genomic Medicine (IGM) Clinical Laboratory, Nationwide Children's Hospital
Classification: Tier I - Strong for Medulloblastoma non-WNT/non-SHH group 3. Assertion type: diagnostic. Clinical significance: supports diagnosis. Last evaluated: 2023-06-01. Review status: criteria provided, single submitter. Criteria: AMP/ASCO/CAP Guidelines, 2017. Collection method: clinical testing. Allele origin: somatic. Affected: yes.
Comment: Variant has Tier I (strong) clinical significance as a diagnostic inclusion criterion in medulloblastoma non-WNT/non-SHH group 3, based on the following evidence: 1) Diagnostic for a specific tumor type/classification based on well-powered studies with expert-level consensus (Evidence Level B; PMIDs: 21163964, 28726821, 22820256, 22832583, 22722829, 23432644).

Literature cited by the submitters: PubMed 21163964 (cited by Institute for Genomic Medicine (IGM) Clinical Laboratory, Nationwide Children's Hospital); PubMed 28726821 (cited by Institute for Genomic Medicine (IGM) Clinical Laboratory, Nationwide Children's Hospital); PubMed 22820256 (cited by Institute for Genomic Medicine (IGM) Clinical Laboratory, Nationwide Children's Hospital); PubMed 22832583 (cited by Institute for Genomic Medicine (IGM) Clinical Laboratory, Nationwide Children's Hospital); PubMed 22722829 (cited by Institute for Genomic Medicine (IGM) Clinical Laboratory, Nationwide Children's Hospital); PubMed 23432644 (cited by Institute for Genomic Medicine (IGM) Clinical Laboratory, Nationwide Children's Hospital).